The following is an entry in ClinVar:

NM_000186.4(CFH):c.428-8T>G

Gene: CFH (complement factor H; plus strand). Cytogenetic location: 1q31.3.
Variant type: single nucleotide variant.
Coding change: c.428-8T>G on transcript NM_000186.4 (MANE Select); 8 bases into the intron before coding-DNA position 428, T replaced by G.
Molecular consequence: intron variant.
Genome position (GRCh38, 1-based): chr1:196,677,468, T>G. VCF-style: chr1-196677468-T-G. GRCh37 (hg19) VCF-style: chr1-196646598-T-G.
Other names: c.428-8T>G (NM_001014975.3).
Identifiers: ClinVar variation 3656978 (VCV003656978.2).

ClinVar aggregate classification (germline): Uncertain significance (1 of 4 stars; one submission).

gnomAD v4.1: 2 of 1,611,912 alleles (0.00012%); highest among the groups gnomAD compares: African/African-American, 0.0027%; no homozygotes.

Submission:

Labcorp Genetics (formerly Invitae), Labcorp
Classification: Uncertain significance. Last evaluated: 2024-06-19. Review status: criteria provided, single submitter. Criteria: Invitae Variant Classification Sherloc (09022015). Collection method: clinical testing. Allele origin: germline.
Comment: This sequence change falls in intron 4 of the CFH gene. It does not directly change the encoded amino acid sequence of the CFH protein. This variant is not present in population databases (gnomAD no frequency). This variant has not been reported in the literature in individuals affected with CFH-related conditions. Algorithms developed to predict the effect of sequence changes on RNA splicing suggest that this variant may disrupt the consensus splice site. In summary, the available evidence is currently insufficient to determine the role of this variant in disease. Therefore, it has been classified as a Variant of Uncertain Significance.